The following is an entry in ClinVar:

NM_001127222.2(CACNA1A):c.6056C>T (p.Ala2019Val)

Gene: CACNA1A (calcium voltage-gated channel subunit alpha1 A; minus strand). Cytogenetic location: 19p13.13.
Variant type: single nucleotide variant.
Coding change: c.6056C>T on transcript NM_001127222.2 (MANE Select); coding-DNA position 6056, C replaced by T.
Protein change: p.Ala2019Val; replaces alanine 2019 with valine.
Molecular consequence: missense variant.
Genome position (GRCh38, 1-based): chr19:13,212,517, G>A on the plus strand (C>T on the coding strand, the complement: CACNA1A is on the minus strand). VCF-style: chr19-13212517-G-A. GRCh37 (hg19) VCF-style: chr19-13323331-G-A.
Other names: c.6074C>T, p.Ala2025Val (NM_000068.4, NM_023035.3); c.6059C>T, p.Ala2020Val (NM_001127221.2); c.6065C>T, p.Ala2022Val (NM_001174080.2); short protein forms A2019V, A2020V, A2022V, A2025V.
Identifiers: ClinVar variation 1723403 (VCV001723403.1), dbSNP rs1009234992, ClinGen allele CA305550984.

ClinVar aggregate classification (germline): Uncertain significance (1 of 4 stars; one submission).

Allele frequency attached by ClinVar (database versions not stated): TOPMed 0.00001.

Submission:

Women's Health and Genetics/Laboratory Corporation of America, LabCorp
Classification: Uncertain significance. Last evaluated: 2022-10-28. Review status: criteria provided, single submitter. Criteria: LabCorp Variant Classification Summary - May 2015. Collection method: clinical testing. Allele origin: germline.
Comment: Variant summary: CACNA1A c.6059C>T (p.Ala2020Val) results in a non-conservative amino acid change in the encoded protein sequence. Four of five in-silico tools predict a benign effect of the variant on protein function. The variant was absent in 181852 control chromosomes (gnomAD). The available data on variant occurrences in the general population are insufficient to allow any conclusion about variant significance. To our knowledge, no occurrence of c.6059C>T in individuals affected with Epileptic Encephalopathy, Early Infantile, 42 and no experimental evidence demonstrating its impact on protein function have been reported. No clinical diagnostic laboratories have submitted clinical-significance assessments for this variant to ClinVar after 2014. Based on the evidence outlined above, the variant was classified as uncertain significance.